The following is an entry in ClinVar:

NM_001042492.3(NF1):c.2666C>G (p.Thr889Arg)

Gene: NF1 (neurofibromin 1; plus strand). Cytogenetic location: 17q11.2.
Variant type: single nucleotide variant.
Coding change: c.2666C>G on transcript NM_001042492.3 (MANE Select); coding-DNA position 2666, C replaced by G.
Protein change: p.Thr889Arg; replaces threonine 889 with arginine.
Molecular consequence: missense variant.
Genome position (GRCh38, 1-based): chr17:31,229,281, C>G. VCF-style: chr17-31229281-C-G. GRCh37 (hg19) VCF-style: chr17-29556299-C-G.
Other names: c.2666C>G, p.Thr889Arg (NM_000267.4); short protein forms T889R.
Identifiers: ClinVar variation 220707 (VCV000220707.19), dbSNP rs369912079, ClinGen allele CA349864.
Genomic context (GRCh38, chr17:31,229,281, plus strand): 5'-CAGTCAGTGAACGTAAGGGTTCTATGATTTCAGTGATGTCTTCAGAGGGAAACGCAGATA[C>G]ACCTGTCAGCAAATTTATGGATCGGCTGTTGTCCTTAATGGTGTGTAACCATGAGAAAGT-3'
Protein context (NP_001035957.1, residues 879-899): SVMSSEGNAD[Thr889Arg]PVSKFMDRLL

ClinVar aggregate classification (germline): Conflicting classifications of pathogenicity. Review status: criteria provided, conflicting classifications (1 of 4 stars). 5 submissions from 5 submitters: Uncertain significance (3); Likely benign (1). 1 of the submissions does not count toward it. Last evaluated 2025-12-26.

Conditions:
Hereditary cancer-predisposing syndrome. Also called: Tumor predisposition; Hereditary neoplastic syndrome; Neoplastic Syndromes, Hereditary; Hereditary Cancer Syndrome. Identifiers: Orphanet 140162, MedGen C0027672, MeSH D009386, MONDO:0015356.
Cardiovascular phenotype. Identifiers: MedGen CN230736.
NF1-related disorder. Also called: NF1-related condition. Identifiers: MedGen CN379171.
Neurofibromatosis, type 1 (NF1). Also called: Peripheral type neurofibromatosis; NEUROFIBROMATOSIS, TYPE I, SOMATIC; Neurofibromatosis, type I; VON RECKLINGHAUSEN DISEASE. Identifiers: Orphanet 636, MedGen C0027831, MONDO:0018975, OMIM 162200. Disease mechanism: loss of function.

Allele frequency attached by ClinVar (database versions not stated): gnomAD 0.00001; TOPMed 0.00001; ESP Exome Variant Server 0.00008.
gnomAD v4.1: 4 of 1,613,658 alleles (0.00025%); highest among the groups gnomAD compares: Non-Finnish European, 0.00034%; no homozygotes.

Submissions (5):

Labcorp Genetics (formerly Invitae), Labcorp
Classification: Likely benign for Neurofibromatosis, type 1. Last evaluated: 2025-12-26. Review status: criteria provided, single submitter. Criteria: Invitae Variant Classification Sherloc (09022015). Collection method: clinical testing. Allele origin: germline.

Ambry Genetics
Classification: Uncertain significance for Cardiovascular phenotype; Hereditary cancer-predisposing syndrome. Last evaluated: 2025-06-25. Review status: criteria provided, single submitter. Criteria: Ambry Variant Classification Scheme 2023. Collection method: clinical testing. Allele origin: germline.
Comment: The p.T889R variant (also known as c.2666C>G), located in coding exon 21 of the NF1 gene, results from a C to G substitution at nucleotide position 2666. The threonine at codon 889 is replaced by arginine, an amino acid with similar properties. This amino acid position is well conserved in available vertebrate species. In addition, the in silico prediction for this alteration is inconclusive. Since supporting evidence is limited at this time, the clinical significance of this alteration remains unclear.

Genome-Nilou Lab
Classification: Uncertain significance for Neurofibromatosis, type 1. Last evaluated: 2022-03-15. Review status: criteria provided, single submitter. Criteria: ACMG Guidelines, 2015. Collection method: clinical testing. Allele origin: germline. Affected: no.

GeneDx
Classification: Uncertain significance. Last evaluated: 2021-06-07. Review status: criteria provided, single submitter. Criteria: GeneDx Variant Classification Process June 2021. Collection method: clinical testing. Allele origin: germline. Affected: yes.
Comment: Not observed at significant frequency in large population cohorts (Lek 2016); In silico analysis supports that this missense variant has a deleterious effect on protein structure/function; Has not been previously published as pathogenic or benign to our knowledge; This variant is associated with the following publications: (PMID: 27535533, 2121369, 25486365)

PreventionGenetics, part of Exact Sciences
Classification: Uncertain significance for NF1-related condition. Last evaluated: 2023-12-14. Review status: no assertion criteria provided. Collection method: clinical testing. Allele origin: germline. Not counted in ClinVar's aggregate classification.
Comment: The NF1 c.2666C>G variant is predicted to result in the amino acid substitution p.Thr889Arg. To our knowledge, this variant has not been reported in the literature or in a large population database, indicating this variant is rare. This variant is interpreted as uncertain in ClinVar. At this time, the clinical significance of this variant is uncertain due to the absence of conclusive functional and genetic evidence.